The following is an entry in ClinVar:

NM_001009944.3(PKD1):c.2967G>A (p.Ala989=)

Gene: PKD1 (polycystin 1, transient receptor potential channel interacting; minus strand). Cytogenetic location: 16p13.3.
Variant type: single nucleotide variant.
Coding change: c.2967G>A on transcript NM_001009944.3 (MANE Select); coding-DNA position 2967, G replaced by A.
Protein change: p.Ala989=; no amino-acid change (alanine 989 retained).
Molecular consequence: synonymous variant.
Genome position (GRCh38, 1-based): chr16:2,113,179, C>T on the plus strand (G>A on the coding strand, the complement: PKD1 is on the minus strand). VCF-style: chr16-2113179-C-T. GRCh37 (hg19) VCF-style: chr16-2163180-C-T.
Other names: c.2967G>A, p.Ala989= (NM_000296.4).
Identifiers: ClinVar variation 993682 (VCV000993682.12), dbSNP rs1324429294, ClinGen allele CA493049301.

ClinVar aggregate classification (germline): Likely benign. Review status: criteria provided, multiple submitters, no conflicts (2 of 4 stars). 5 submissions from 5 submitters: Likely benign (4). 1 of the submissions does not count toward it. Last evaluated 2025-03-21.

Conditions:
Polycystic kidney disease, adult type (PKD1). Also called: POLYCYSTIC KIDNEY DISEASE, ADULT, TYPE I; Polycystic Kidney, Autosomal Dominant; POLYCYSTIC KIDNEY DISEASE 1 WITH OR WITHOUT POLYCYSTIC LIVER DISEASE; Polycystic Kidney Disease 1, Autosomal Dominant; Polycystic kidney disease 1; Polycystic kidney disease 1, severe. Identifiers: MedGen C3149841, MONDO:0008263, OMIM 173900.

Allele frequency attached by ClinVar (database versions not stated): TOPMed 0.00002.
gnomAD v4.1: 31 of 1,089,564 alleles (0.0028%); highest among the groups gnomAD compares: Middle Eastern, 0.029%; no homozygotes.

Submissions (5):

Women's Health and Genetics/Laboratory Corporation of America, LabCorp
Classification: Likely benign. Last evaluated: 2025-03-21. Review status: criteria provided, single submitter. Criteria: LabCorp Variant Classification Summary - May 2015. Collection method: clinical testing. Allele origin: germline.

Blueprint Genetics
Classification: Likely benign. Last evaluated: 2023-12-22. Review status: criteria provided, single submitter. Criteria: ACMG Guidelines, 2015. Collection method: clinical testing. Allele origin: germline.

Fulgent Genetics
Classification: Likely benign for Polycystic kidney disease, adult type. Last evaluated: 2021-12-28. Review status: criteria provided, single submitter. Criteria: ACMG Guidelines, 2015. Collection method: clinical testing. Allele origin: unknown.

ARUP Laboratories, Molecular Genetics and Genomics, ARUP Laboratories
Classification: Likely benign for Polycystic kidney disease, adult type. Last evaluated: 2020-03-20. Review status: criteria provided, single submitter. Criteria: ARUP Molecular Germline Variant Investigation Process. Collection method: clinical testing. Allele origin: germline.

Department of Pathology and Laboratory Medicine, Sinai Health System
Classification: Likely benign. Review status: no assertion criteria provided. Collection method: clinical testing. Allele origin: unknown. Affected: yes. Study: The Canadian Open Genetics Repository (COGR). Not counted in ClinVar's aggregate classification.
Comment: The PKD1 p.Ala989= variant was not identified in the literature nor was it identified in the following databases: dbSNP, ClinVar, GeneInsight-COGR, LOVD 3.0, ADPKD Mutation Database, and PKD1-LOVD. The variant was identified in control databases in 5 of 143440 chromosomes at a frequency of 0.00004 (Genome Aggregation Database Feb 27, 2017). Breakdown of the observations by population include European in 4 of 56244 chromosomes (freq: 0.00007) and East Asian in 1 of 11448 chromosomes (freq: 0.00009), while the variant was not observed in the African, Other, Latino, Ashkenazi Jewish, Finnish, or South Asian populations. In addition we cannot be certain that data from control databases is specific to PKD1 and not from one of the six PKD1 pseudogenes. The p.Ala989= variant is not expected to have clinical significance because it does not result in a change of amino acid and is not located in a known consensus splice site. One of five in silico or computational prediction software programs (SpliceSiteFinder, MaxEntScan, NNSPLICE, GeneSplicer, HumanSpliceFinder) predict a greater than 10% difference in splicing; this is not very predictive of pathogenicity. In summary, based on the above information the clinical significance of this variant cannot be determined with certainty at this time although we would lean towards a more benign role for this variant. This variant is classified as likely benign.